The following is an entry in ClinVar:

NM_005120.3(MED12):c.1349-11T>C

Genes: MED12 (mediator complex subunit 12; plus strand), LOC126863275 (BRD4-independent group 4 enhancer GRCh37_chrX:70342400-70343599; plus strand). Cytogenetic location: Xq13.1.
Variant type: single nucleotide variant.
Coding change: c.1349-11T>C on transcript NM_005120.3 (MANE Select); 11 bases into the intron before coding-DNA position 1349, T replaced by C.
Molecular consequence: intron variant.
Genome position (GRCh38, 1-based): chrX:71,122,727, T>C. VCF-style: chrX-71122727-T-C. GRCh37 (hg19) VCF-style: chrX-70342577-T-C.
Identifiers: ClinVar variation 386828 (VCV000386828.4), dbSNP rs775255445, ClinGen allele CA10444176.
Genomic context (GRCh38, chrX:71,122,727, plus strand): 5'-GACATGTAGATCTAAGAGCCAGAATGCACCGGGCCTCTGGTTCAGTCCCCTTTACCACTT[T>C]TCCTCCTTAGGCTTCACCATTGGACGGGTACTTCATACTTTGGAAGTGCTGGACAGCCAT-3'

ClinVar aggregate classification (germline): Likely benign. Review status: criteria provided, multiple submitters, no conflicts (2 of 4 stars). 2 submissions from 2 submitters: Likely benign (2). Last evaluated 2026-01-19.

Conditions:
FG syndrome (FGS). Identifiers: MedGen C0220769, MONDO:0002010.

Allele frequency attached by ClinVar (database versions not stated): gnomAD exomes below 0.00001 and 0.00001; ExAC 0.00002; TOPMed 0.00003; gnomAD 0.00008; 1000 Genomes Project 30x 0.00021; 1000 Genomes Project 0.00026.
gnomAD v4.1: 14 of 1,210,075 alleles (0.0012%); highest among the groups gnomAD compares: African/African-American, 0.024%; no homozygotes.

Submissions (2):

Labcorp Genetics (formerly Invitae), Labcorp
Classification: Likely benign for FG syndrome. Last evaluated: 2026-01-19. Review status: criteria provided, single submitter. Criteria: Invitae Variant Classification Sherloc (09022015). Collection method: clinical testing. Allele origin: germline.

GeneDx
Classification: Likely benign. Last evaluated: 2016-06-08. Review status: criteria provided, single submitter. Criteria: GeneDx Variant Classification (06012015). Collection method: clinical testing. Allele origin: germline. Affected: yes.
Comment: This variant is considered likely benign or benign based on one or more of the following criteria: it is a conservative change, it occurs at a poorly conserved position in the protein, it is predicted to be benign by multiple in silico algorithms, and/or has population frequency not consistent with disease.